The following is an entry in ClinVar:

NM_001367561.1(DOCK7):c.2767-1G>A

Gene: DOCK7 (dedicator of cytokinesis 7; minus strand). Cytogenetic location: 1p31.3.
Variant type: single nucleotide variant.
Coding change: c.2767-1G>A on transcript NM_001367561.1 (MANE Select); the canonical splice acceptor site of the intron before coding-DNA position 2767, G replaced by A.
Molecular consequence: splice acceptor variant. On other transcripts: intron variant (3).
Genome position (GRCh38, 1-based): chr1:62,545,040, C>T on the plus strand (G>A on the coding strand, the complement: DOCK7 is on the minus strand). VCF-style: chr1-62545040-C-T. GRCh37 (hg19) VCF-style: chr1-63010711-C-T.
Other names: c.2767-1295G>A (NM_001272001.2, NM_001272000.2, NM_033407.4); c.2767-1G>A (NM_001271999.2, NM_001330614.2).
Identifiers: ClinVar variation 852196 (VCV000852196.8), dbSNP rs1645656856, ClinGen allele CA340616391.

ClinVar aggregate classification (germline): Likely pathogenic (1 of 4 stars; one submission).

Conditions:
Developmental and epileptic encephalopathy, 23 (DEE23). Also called: Epileptic encephalopathy, early infantile, 23. Identifiers: Orphanet 411986, MedGen C4014492, MONDO:0014371, OMIM 615859.

Submission:

Labcorp Genetics (formerly Invitae), Labcorp
Classification: Likely pathogenic for Developmental and epileptic encephalopathy, 23. Last evaluated: 2022-09-19. Review status: criteria provided, single submitter. Criteria: Invitae Variant Classification Sherloc (09022015). Collection method: clinical testing. Allele origin: germline.
Comment: ClinVar contains an entry for this variant (Variation ID: 852196). Algorithms developed to predict the effect of sequence changes on RNA splicing suggest that this variant may disrupt the consensus splice site. In summary, the currently available evidence indicates that the variant is pathogenic, but additional data are needed to prove that conclusively. Therefore, this variant has been classified as Likely Pathogenic. This variant has not been reported in the literature in individuals affected with DOCK7-related conditions. This sequence change affects an acceptor splice site in intron 22 of the DOCK7 gene. It is expected to disrupt RNA splicing. Variants that disrupt the donor or acceptor splice site typically lead to a loss of protein function (PMID: 16199547), and loss-of-function variants in DOCK7 are known to be pathogenic (PMID: 24814191). This variant is not present in population databases (gnomAD no frequency).

Literature cited by the submitters: PubMed 16199547; PubMed 24814191.